The following is an entry in ClinVar:

NM_001264.5(CDSN):c.1148G>A (p.Gly383Asp)

Genes: CDSN (corneodesmosin; minus strand), PSORS1C1 (psoriasis susceptibility 1 candidate 1; plus strand). Cytogenetic location: 6p21.33.
Variant type: single nucleotide variant.
Coding change: c.1148G>A on transcript NM_001264.5 (MANE Select); coding-DNA position 1148, G replaced by A.
Protein change: p.Gly383Asp; replaces glycine 383 with aspartic acid.
Molecular consequence: missense variant. On other transcripts: intron variant (1).
Genome position (GRCh38, 1-based): chr6:31,116,467, C>T on the plus strand (G>A on the coding strand, the complement: CDSN is on the minus strand). VCF-style: chr6-31116467-C-T. GRCh37 (hg19) VCF-style: chr6-31084244-C-T.
Other names: c.-229+1576C>T (NM_014068.3); short protein forms G383D.
Identifiers: ClinVar variation 747840 (VCV000747840.13), dbSNP rs193021253, ClinGen allele CA3708372.

ClinVar aggregate classification (germline): Benign/Likely benign. Review status: criteria provided, multiple submitters, no conflicts (2 of 4 stars). 3 submissions from 3 submitters: Benign (1); Likely benign (1). 1 of the submissions does not count toward it. Last evaluated 2025-10-23.

Conditions:
CDSN-related disorder. Also called: CDSN-related condition.

Allele frequency attached by ClinVar (database versions not stated): ESP Exome Variant Server 0.00031; 1000 Genomes Project 0.00040; TOPMed 0.00043; 1000 Genomes Project 30x 0.00047; gnomAD exomes 0.00073 and 0.00092; gnomAD 0.00130 and 0.00138; ExAC 0.00140.
gnomAD v4.1: 1,235 of 1,597,826 alleles (0.077%); highest among the groups gnomAD compares: Non-Finnish European, 0.072%; 2 homozygotes.

Submissions (3):

Labcorp Genetics (formerly Invitae), Labcorp
Classification: Benign. Last evaluated: 2025-10-23. Review status: criteria provided, single submitter. Criteria: Invitae Variant Classification Sherloc (09022015). Collection method: clinical testing. Allele origin: germline.

Blueprint Genetics
Classification: Likely benign. Last evaluated: 2024-11-21. Review status: criteria provided, single submitter. Criteria: ACMG Guidelines, 2015. Collection method: clinical testing. Allele origin: germline.

PreventionGenetics, part of Exact Sciences
Classification: Likely benign for CDSN-related condition. Last evaluated: 2024-05-06. Review status: no assertion criteria provided. Collection method: clinical testing. Allele origin: germline. Not counted in ClinVar's aggregate classification.
Comment: This variant is classified as likely benign based on ACMG/AMP sequence variant interpretation guidelines (Richards et al. 2015 PMID: 25741868, with internal and published modifications).